The following is an entry in ClinVar:

ClinVar aggregate classification (germline): Uncertain significance (1 of 4 stars; one submission).

gnomAD v4.1: 7 of 1,614,064 alleles (0.00043%); highest among the groups gnomAD compares: African/African-American, 0.0027%; no homozygotes.

Submission:

GeneDx
Classification: Uncertain significance. Last evaluated: 2025-05-05. Review status: criteria provided, single submitter. Criteria: GeneDx Variant Classification Process June 2021. Collection method: clinical testing. Allele origin: germline. Affected: yes.
Comment: Not observed at significant frequency in large population cohorts (gnomAD); In silico analysis suggests that this missense variant does not alter protein structure/function; Has not been previously published as pathogenic or benign to our knowledge

NM_212482.4(FN1):c.2845G>A (p.Glu949Lys)

Gene: FN1 (fibronectin 1; minus strand). Cytogenetic location: 2q35.
Variant type: single nucleotide variant.
Coding change: c.2845G>A on transcript NM_212482.4 (MANE Select); coding-DNA position 2845, G replaced by A.
Protein change: p.Glu949Lys; replaces glutamic acid 949 with lysine.
Molecular consequence: missense variant.
Genome position (GRCh38, 1-based): chr2:215,406,379, C>T on the plus strand (G>A on the coding strand, the complement: FN1 is on the minus strand). VCF-style: chr2-215406379-C-T. GRCh37 (hg19) VCF-style: chr2-216271102-C-T.
Other names: c.2845G>A, p.Glu949Lys (NM_001306129.2, NM_001306130.2, NM_001306131.2 and 13 more transcripts); short protein forms E949K.
Identifiers: ClinVar variation 4527972 (VCV004527972.1).
Genomic context (GRCh38, chr2:215,406,379, plus strand): 5'-GGGACAGCCCGGTGACTTCTGCAAAGGTGTTCCTGCTGATGGGCAGCCTCTGCCCGTGCT[C>T]GCCAGGCAGGTTGACGGGGATCACATCCACACGGTAGCCGGTCACTGCACTCTCAGGCGG-3'
Protein context (NP_997647.2, residues 939-959): VDVIPVNLPG[Glu949Lys]HGQRLPISRN